The following is an entry in ClinVar:

NM_004415.4(DSP):c.7678A>T (p.Met2560Leu)

Gene: DSP (desmoplakin; plus strand). Cytogenetic location: 6p24.3.
Variant type: single nucleotide variant.
Coding change: c.7678A>T on transcript NM_004415.4 (MANE Select); coding-DNA position 7678, A replaced by T.
Protein change: p.Met2560Leu; replaces methionine 2560 with leucine.
Molecular consequence: missense variant.
Genome position (GRCh38, 1-based): chr6:7,584,940, A>T. VCF-style: chr6-7584940-A-T. GRCh37 (hg19) VCF-style: chr6-7585173-A-T.
Other names: c.5881A>T, p.Met1961Leu (NM_001008844.3); c.6349A>T, p.Met2117Leu (NM_001319034.2); short protein forms M1961L, M2117L, M2560L.
Identifiers: ClinVar variation 3751528 (VCV003751528.2).

ClinVar aggregate classification (germline): Uncertain significance (1 of 4 stars; one submission).

Conditions:
Arrhythmogenic right ventricular dysplasia 8 (ARVD8). Also called: Arrhythmogenic Right Ventricular Dysplasia/Cardiomyopathy 8; ARRHYTHMOGENIC RIGHT VENTRICULAR DYSPLASIA, FAMILIAL, 8; ARRHYTHMOGENIC RIGHT VENTRICULAR CARDIOMYOPATHY 8. Identifiers: MedGen C1843896, MONDO:0011831, OMIM 607450.
Arrhythmogenic cardiomyopathy with wooly hair and keratoderma. Also called: PALMOPLANTAR KERATODERMA WITH LEFT VENTRICULAR CARDIOMYOPATHY AND WOOLLY HAIR; Carvajal syndrome; Dilated cardiomyopathy with woolly hair and keratoderma; Arrhythmogenic cardiomyopathy with woolly hair and keratoderma. Identifiers: Orphanet 65282, MedGen C1854063, MONDO:0011581, OMIM 605676.

Submission:

Labcorp Genetics (formerly Invitae), Labcorp
Classification: Uncertain significance for Arrhythmogenic cardiomyopathy with wooly hair and keratoderma; Arrhythmogenic right ventricular dysplasia 8. Last evaluated: 2024-04-01. Review status: criteria provided, single submitter. Criteria: Invitae Variant Classification Sherloc (09022015). Collection method: clinical testing. Allele origin: germline.
Comment: This sequence change replaces methionine, which is neutral and non-polar, with leucine, which is neutral and non-polar, at codon 2560 of the DSP protein (p.Met2560Leu). This variant is not present in population databases (gnomAD no frequency). This variant has not been reported in the literature in individuals affected with DSP-related conditions. An algorithm developed to predict the effect of missense changes on protein structure and function (PolyPhen-2) suggests that this variant is likely to be disruptive. In summary, the available evidence is currently insufficient to determine the role of this variant in disease. Therefore, it has been classified as a Variant of Uncertain Significance.